The following is an entry in ClinVar:

ClinVar aggregate classification (germline): Uncertain significance. Review status: criteria provided, multiple submitters, no conflicts (2 of 4 stars). 2 submissions from 2 submitters: Uncertain significance (2). Last evaluated 2023-11-27.

Conditions:
Inborn genetic diseases. Identifiers: MedGen C0950123, MeSH D030342.
Joubert syndrome 15 (JBTS15). Identifiers: Orphanet 475, MedGen C3280897, MONDO:0013763, OMIM 614464.

Allele frequency attached by ClinVar (database versions not stated): gnomAD exomes below 0.00001; TOPMed 0.00002.
gnomAD v4.1: 6 of 1,613,510 alleles (0.00037%); highest among the groups gnomAD compares: Non-Finnish European, 0.000085%; no homozygotes.

Submissions (2):

Labcorp Genetics (formerly Invitae), Labcorp
Classification: Uncertain significance for Joubert syndrome 15. Last evaluated: 2023-11-27. Review status: criteria provided, single submitter. Criteria: Invitae Variant Classification Sherloc (09022015). Collection method: clinical testing. Allele origin: germline.
Comment: This sequence change replaces alanine, which is neutral and non-polar, with valine, which is neutral and non-polar, at codon 258 of the CEP41 protein (p.Ala258Val). This variant is not present in population databases (gnomAD no frequency). This variant has not been reported in the literature in individuals affected with CEP41-related conditions. ClinVar contains an entry for this variant (Variation ID: 961340). Advanced modeling of protein sequence and biophysical properties (such as structural, functional, and spatial information, amino acid conservation, physicochemical variation, residue mobility, and thermodynamic stability) performed at Invitae indicates that this missense variant is not expected to disrupt CEP41 protein function with a negative predictive value of 80%. In summary, the available evidence is currently insufficient to determine the role of this variant in disease. Therefore, it has been classified as a Variant of Uncertain Significance.

Ambry Genetics
Classification: Uncertain significance for Inborn genetic diseases. Last evaluated: 2023-07-30. Review status: criteria provided, single submitter. Criteria: Ambry Variant Classification Scheme 2023. Collection method: clinical testing. Allele origin: germline.

NM_018718.3(CEP41):c.773C>T (p.Ala258Val)

Gene: CEP41 (centrosomal protein 41; minus strand). Cytogenetic location: 7q32.2.
Variant type: single nucleotide variant.
Coding change: c.773C>T on transcript NM_018718.3 (MANE Select); coding-DNA position 773, C replaced by T.
Protein change: p.Ala258Val; replaces alanine 258 with valine.
Molecular consequence: missense variant. On other transcripts: non-coding transcript variant (1), intron variant (2).
Genome position (GRCh38, 1-based): chr7:130,400,239, G>A on the plus strand (C>T on the coding strand, the complement: CEP41 is on the minus strand). VCF-style: chr7-130400239-G-A. GRCh37 (hg19) VCF-style: chr7-130040080-G-A.
Other names: c.709+468C>T (NM_001257159.2); c.757+468C>T (NM_001257158.2); c.773C>T (NM_018718.1); short protein forms A258V.
Identifiers: ClinVar variation 961340 (VCV000961340.7), dbSNP rs1050700461, ClinGen allele CA166903005.